The following is an entry in ClinVar:

NM_020975.6(RET):c.622G>C (p.Glu208Gln)

Gene: RET (ret proto-oncogene; plus strand). Cytogenetic location: 10q11.21.
Variant type: single nucleotide variant.
Coding change: c.622G>C on transcript NM_020975.6 (MANE Select); coding-DNA position 622, G replaced by C.
Protein change: p.Glu208Gln; replaces glutamic acid 208 with glutamine.
Molecular consequence: missense variant.
Genome position (GRCh38, 1-based): chr10:43,102,626, G>C. VCF-style: chr10-43102626-G-C. GRCh37 (hg19) VCF-style: chr10-43598074-G-C.
Other names: c.622G>C, p.Glu208Gln (NM_000323.2, NM_001406743.1, NM_001406744.1 and 16 more transcripts); c.493G>C, p.Glu165Gln (NM_001406761.1, NM_001406762.1, NM_001406764.1 and 4 more transcripts); short protein forms E208Q, E165Q.
Identifiers: ClinVar variation 826259 (VCV000826259.16), dbSNP rs1588864215, ClinGen allele CA376543704.
Genomic context (GRCh38, chr10:43,102,626, plus strand): 5'-TTCCGCCTGCTGCCTGTGCAGTTCTTGTGCCCCAACATCAGCGTGGCCTACAGGCTCCTG[G>C]AGGGTGAGTGCCGACCTTGTGGGGCCGCCCCACAGTGCCTGCTACTGCTGGTCTTGCTCT-3'
Protein context (NP_066124.1, residues 198-218): PNISVAYRLL[Glu208Gln]GEGLPFRCAP

ClinVar aggregate classification (germline): Uncertain significance. Review status: criteria provided, multiple submitters, no conflicts (2 of 4 stars). 4 submissions from 4 submitters: Uncertain significance (4). Last evaluated 2025-11-11.

Conditions:
Hereditary cancer-predisposing syndrome. Also called: Neoplastic Syndromes, Hereditary; Tumor predisposition; Hereditary neoplastic syndrome; Hereditary Cancer Syndrome. Identifiers: Orphanet 140162, MedGen C0027672, MeSH D009386, MONDO:0015356.
Multiple endocrine neoplasia, type 2 (MEN2). Identifiers: Orphanet 653, MedGen C4048306, MONDO:0019003. Disease mechanism: gain of function.

Allele frequency attached by ClinVar (database versions not stated): gnomAD exomes below 0.00001.
gnomAD v4.1: 1 of 1,614,076 alleles (0.000062%); highest among the groups gnomAD compares: Non-Finnish European, 0.000085%; no homozygotes.

Submissions (4):

Labcorp Genetics (formerly Invitae), Labcorp
Classification: Uncertain significance for Multiple endocrine neoplasia, type 2. Last evaluated: 2025-11-11. Review status: criteria provided, single submitter. Criteria: Invitae Variant Classification Sherloc (09022015). Collection method: clinical testing. Allele origin: germline.
Comment: This sequence change replaces glutamic acid, which is acidic and polar, with glutamine, which is neutral and polar, at codon 208 of the RET protein (p.Glu208Gln). This variant is not present in population databases (gnomAD no frequency). This variant has not been reported in the literature in individuals affected with RET-related conditions. ClinVar contains an entry for this variant (Variation ID: 826259). An algorithm developed to predict the effect of missense changes on protein structure and function outputs the following: PolyPhen-2: "Benign". The glutamine amino acid residue is found in multiple mammalian species, which suggests that this missense change does not adversely affect protein function. In summary, the available evidence is currently insufficient to determine the role of this variant in disease. Therefore, it has been classified as a Variant of Uncertain Significance.

Color Diagnostics, LLC DBA Color Health
Classification: Uncertain significance for Multiple endocrine neoplasia, type 2. Last evaluated: 2025-08-04. Review status: criteria provided, single submitter. Criteria: ACMG Guidelines, 2015. Collection method: clinical testing. Allele origin: germline.
Comment: This missense variant replaces glutamic acid with glutamine at codon 208 of the RET protein. Computational prediction suggests that this variant may not impact protein structure and function. To our knowledge, functional studies have not been reported for this variant. This variant has not been reported in individuals affected with RET-related disorders in the literature. This variant has not been identified in the general population by the Genome Aggregation Database (gnomAD). The available evidence is insufficient to determine the role of this variant in disease conclusively. Therefore, this variant is classified as a Variant of Uncertain Significance.

Ambry Genetics
Classification: Uncertain significance for Hereditary cancer-predisposing syndrome. Last evaluated: 2025-04-19. Review status: criteria provided, single submitter. Criteria: Ambry Variant Classification Scheme 2023. Collection method: clinical testing. Allele origin: germline.
Comment: The p.E208Q variant (also known as c.622G>C), located in coding exon 3 of the RET gene, results from a G to C substitution at nucleotide position 622. The glutamic acid at codon 208 is replaced by glutamine, an amino acid with highly similar properties. This amino acid position is poorly conserved in available vertebrate species. In addition, this alteration is predicted to be tolerated by in silico analysis. Since supporting evidence is limited at this time, the clinical significance of this alteration remains unclear.

All of Us Research Program, National Institutes of Health
Classification: Uncertain significance for Multiple endocrine neoplasia, type 2. Last evaluated: 2023-10-30. Review status: criteria provided, single submitter. Criteria: ACMG Guidelines, 2015. Collection method: clinical testing. Allele origin: germline. Inheritance: Autosomal dominant inheritance. Observed: 3 variant alleles, 3 heterozygotes.
Comment: This study involves interpretation of variants in research participants for the purpose of population health screening. Participant phenotype was not available at the time of variant classification. Additional details can be found in publication PMID: 35346344, PMCID: PMC8962531